The following is an entry in ClinVar:

NM_005027.4(PIK3R2):c.1964A>G (p.Tyr655Cys)

Gene: PIK3R2 (phosphoinositide-3-kinase regulatory subunit 2; plus strand). Cytogenetic location: 19p13.11.
Variant type: single nucleotide variant.
Coding change: c.1964A>G on transcript NM_005027.4 (MANE Select); coding-DNA position 1964, A replaced by G.
Protein change: p.Tyr655Cys; replaces tyrosine 655 with cysteine.
Molecular consequence: missense variant. On other transcripts: non-coding transcript variant (2).
Genome position (GRCh38, 1-based): chr19:18,168,881, A>G. VCF-style: chr19-18168881-A-G. GRCh37 (hg19) VCF-style: chr19-18279691-A-G.
Other names: short protein forms Y655C.
Identifiers: ClinVar variation 2373290 (VCV002373290.4), dbSNP rs762499879, ClinGen allele CA9307197.

ClinVar aggregate classification (germline): Uncertain significance. Review status: criteria provided, multiple submitters, no conflicts (2 of 4 stars). 2 submissions from 2 submitters: Uncertain significance (2). Last evaluated 2025-06-26.

Conditions:
Megalencephaly-polymicrogyria-postaxial polydactyly-hydrocephalus syndrome. Also called: MPPH Syndrome; MEG-PMG-MEGACC SYNDROME. Identifiers: Orphanet 83473, MedGen C1863924, MONDO:0019375.
Inborn genetic diseases. Identifiers: MedGen C0950123, MeSH D030342.

Allele frequency attached by ClinVar (database versions not stated): TOPMed 0.00003; gnomAD 0.00004.
gnomAD v4.1: 55 of 1,612,820 alleles (0.0034%); highest among the groups gnomAD compares: Non-Finnish European, 0.00042%; no homozygotes.

Submissions (2):

Labcorp Genetics (formerly Invitae), Labcorp
Classification: Uncertain significance for Megalencephaly-polymicrogyria-postaxial polydactyly-hydrocephalus syndrome. Last evaluated: 2025-06-26. Review status: criteria provided, single submitter. Criteria: Invitae Variant Classification Sherloc (09022015). Collection method: clinical testing. Allele origin: germline.
Comment: This sequence change replaces tyrosine, which is neutral and polar, with cysteine, which is neutral and slightly polar, at codon 655 of the PIK3R2 protein (p.Tyr655Cys). This variant is present in population databases (rs762499879, gnomAD 0.08%). This variant has not been reported in the literature in individuals affected with PIK3R2-related conditions. ClinVar contains an entry for this variant (Variation ID: 2373290). Invitae Evidence Modeling of protein sequence and biophysical properties (such as structural, functional, and spatial information, amino acid conservation, physicochemical variation, residue mobility, and thermodynamic stability) has been performed for this missense variant. However, the output from this modeling did not meet the statistical confidence thresholds required to predict the impact of this variant on PIK3R2 protein function. In summary, the available evidence is currently insufficient to determine the role of this variant in disease. Therefore, it has been classified as a Variant of Uncertain Significance.

Ambry Genetics
Classification: Uncertain significance for Inborn genetic diseases. Last evaluated: 2024-05-28. Review status: criteria provided, single submitter. Criteria: Ambry Variant Classification Scheme 2023. Collection method: clinical testing. Allele origin: germline.